The following is an entry in ClinVar:

NM_000553.6(WRN):c.3238A>G (p.Lys1080Glu)

Gene: WRN (WRN RecQ like helicase; plus strand). Cytogenetic location: 8p12.
Variant type: single nucleotide variant.
Coding change: c.3238A>G on transcript NM_000553.6 (MANE Select); coding-DNA position 3238, A replaced by G.
Protein change: p.Lys1080Glu; replaces lysine 1080 with glutamic acid.
Molecular consequence: missense variant.
Genome position (GRCh38, 1-based): chr8:31,142,630, A>G. VCF-style: chr8-31142630-A-G. GRCh37 (hg19) VCF-style: chr8-31000146-A-G.
Other names: short protein forms K1080E.
Identifiers: ClinVar variation 949158 (VCV000949158.5), dbSNP rs1288018118, ClinGen allele CA370923284.
Genomic context (GRCh38, chr8:31,142,630, plus strand): 5'-TGAATTAGATACTTGCATCTTAACATTTGAAATAATTTAATTTTATTATTTTTTAGTTCG[A>G]AAACTGTATCTTCGGGCACCAAAGAGCATTGTTATAATCAAGTACCAGTTGAATTAAGTA-3'
Protein context (NP_000544.2, residues 1070-1090): CPKKLLLPSS[Lys1080Glu]TVSSGTKEHC

ClinVar aggregate classification (germline): Uncertain significance (1 of 4 stars; one submission).

Conditions:
Werner syndrome (WRN). Identifiers: Orphanet 902, MedGen C0043119, MONDO:0010196, OMIM 277700.

Allele frequency attached by ClinVar (database versions not stated): gnomAD exomes below 0.00001.
gnomAD v4.1: 1 of 1,596,854 alleles (0.000063%); highest among the groups gnomAD compares: Admixed American, 0.0017%; no homozygotes.

Submission:

Labcorp Genetics (formerly Invitae), Labcorp
Classification: Uncertain significance for Werner syndrome. Last evaluated: 2024-05-21. Review status: criteria provided, single submitter. Criteria: Invitae Variant Classification Sherloc (09022015). Collection method: clinical testing. Allele origin: germline.
Comment: This sequence change replaces lysine, which is basic and polar, with glutamic acid, which is acidic and polar, at codon 1080 of the WRN protein (p.Lys1080Glu). The frequency data for this variant in the population databases is considered unreliable, as metrics indicate poor data quality at this position in the gnomAD database. This variant has not been reported in the literature in individuals affected with WRN-related conditions. ClinVar contains an entry for this variant (Variation ID: 949158). An algorithm developed to predict the effect of missense changes on protein structure and function (PolyPhen-2) suggests that this variant is likely to be tolerated. In summary, the available evidence is currently insufficient to determine the role of this variant in disease. Therefore, it has been classified as a Variant of Uncertain Significance.